The following is an entry in ClinVar:

ClinVar aggregate classification (germline): Uncertain significance (1 of 4 stars; one submission).

Conditions:
Cardiovascular phenotype. Identifiers: MedGen CN230736.

Allele frequency attached by ClinVar (database versions not stated): gnomAD exomes below 0.00001.
gnomAD v4.1: 1 of 1,551,788 alleles (0.000064%); highest among the groups gnomAD compares: Non-Finnish European, 0.000087%; no homozygotes.

Submission:

Ambry Genetics
Classification: Uncertain significance for Cardiovascular phenotype. Last evaluated: 2022-07-11. Review status: criteria provided, single submitter. Criteria: Ambry Variant Classification Scheme 2023. Collection method: clinical testing. Allele origin: germline.
Comment: The p.A170T variant (also known as c.508G>A), located in coding exon 2 of the RBM20 gene, results from a G to A substitution at nucleotide position 508. The alanine at codon 170 is replaced by threonine, an amino acid with similar properties. This amino acid position is conserved. In addition, this alteration is predicted to be tolerated by in silico analysis. Since supporting evidence is limited at this time, the clinical significance of this alteration remains unclear.

NM_001134363.3(RBM20):c.508G>A (p.Ala170Thr)

Gene: RBM20 (RNA binding motif protein 20; plus strand). Cytogenetic location: 10q25.2.
Variant type: single nucleotide variant.
Coding change: c.508G>A on transcript NM_001134363.3 (MANE Select); coding-DNA position 508, G replaced by A.
Protein change: p.Ala170Thr; replaces alanine 170 with threonine.
Molecular consequence: missense variant.
Genome position (GRCh38, 1-based): chr10:110,781,117, G>A. VCF-style: chr10-110781117-G-A. GRCh37 (hg19) VCF-style: chr10-112540875-G-A.
Other names: short protein forms A170T.
Identifiers: ClinVar variation 1745263 (VCV001745263.2), dbSNP rs2493410303, ClinGen allele CA378380858.